The following is an entry in ClinVar:

NM_001128228.3(TPRN):c.274C>T (p.Leu92Phe)

Gene: TPRN (taperin; minus strand). Cytogenetic location: 9q34.3.
Variant type: single nucleotide variant.
Coding change: c.274C>T on transcript NM_001128228.3 (MANE Select); coding-DNA position 274, C replaced by T.
Protein change: p.Leu92Phe; replaces leucine 92 with phenylalanine.
Molecular consequence: missense variant.
Genome position (GRCh38, 1-based): chr9:137,200,438, G>A on the plus strand (C>T on the coding strand, the complement: TPRN is on the minus strand). VCF-style: chr9-137200438-G-A. GRCh37 (hg19) VCF-style: chr9-140094890-G-A.
Other names: short protein forms L92F.
Identifiers: ClinVar variation 1986373 (VCV001986373.5), dbSNP rs957567268, ClinGen allele CA375783854.
Genomic context (GRCh38, chr9:137,200,438, plus strand): 5'-CGGGCGGCGCGGGCGGGAAGCCGGGCACCGTCTCGATGATGAGGACGCTGTCGGCGCGGA[G>A]GGCGCGCACGCCAGGCACGCGGCGGTACCGCTCCAGCAGCCGCGCCCCCGCCGCGCCCCC-3'
Protein context (NP_001121700.2, residues 82-102): RYRRVPGVRA[Leu92Phe]RADSVLIIET

ClinVar aggregate classification (germline): Uncertain significance. Review status: criteria provided, multiple submitters, no conflicts (2 of 4 stars). 2 submissions from 2 submitters: Uncertain significance (2). Last evaluated 2022-11-29.

Conditions:
Inborn genetic diseases. Identifiers: MedGen C0950123, MeSH D030342.

Allele frequency attached by ClinVar (database versions not stated): 1000 Genomes Project 30x 0.00031.

Submissions (2):

Labcorp Genetics (formerly Invitae), Labcorp
Classification: Uncertain significance. Last evaluated: 2022-11-29. Review status: criteria provided, single submitter. Criteria: Invitae Variant Classification Sherloc (09022015). Collection method: clinical testing. Allele origin: germline.
Comment: This sequence change replaces leucine, which is neutral and non-polar, with phenylalanine, which is neutral and non-polar, at codon 92 of the TPRN protein (p.Leu92Phe). This variant is present in population databases (no rsID available, gnomAD 0.01%). In summary, the available evidence is currently insufficient to determine the role of this variant in disease. Therefore, it has been classified as a Variant of Uncertain Significance. Algorithms developed to predict the effect of missense changes on protein structure and function (SIFT, PolyPhen-2, Align-GVGD) all suggest that this variant is likely to be tolerated. This variant has not been reported in the literature in individuals affected with TPRN-related conditions.

Ambry Genetics
Classification: Uncertain significance for Inborn genetic diseases. Last evaluated: 2021-11-30. Review status: criteria provided, single submitter. Criteria: Ambry Variant Classification Scheme 2023. Collection method: clinical testing. Allele origin: germline.